The following is an entry in ClinVar:

ClinVar aggregate classification (germline): Pathogenic (1 of 4 stars; one submission).

Conditions:
Telangiectasia, hereditary hemorrhagic, type 2 (HHT2). Also called: Telangiectasia, hereditary hemorrhagic, type II; ACVRL1-Related Hereditary Hemorrhagic Telangiectasia. Identifiers: Orphanet 774, MedGen C1838163, MONDO:0010880, OMIM 600376. Disease mechanism: loss of function.

Submission:

Labcorp Genetics (formerly Invitae), Labcorp
Classification: Pathogenic for Telangiectasia, hereditary hemorrhagic, type 2. Last evaluated: 2023-02-17. Review status: criteria provided, single submitter. Criteria: Invitae Variant Classification Sherloc (09022015). Collection method: clinical testing. Allele origin: germline.
Comment: For these reasons, this variant has been classified as Pathogenic. This sequence change creates a premature translational stop signal (p.Ala307Hisfs*47) in the ACVRL1 gene. It is expected to result in an absent or disrupted protein product. Loss-of-function variants in ACVRL1 are known to be pathogenic (PMID: 15879500). This variant is not present in population databases (gnomAD no frequency). This variant has not been reported in the literature in individuals affected with ACVRL1-related conditions.

Literature cited by the submitters: PubMed 15879500.

NM_000020.3(ACVRL1):c.919del (p.Ala307fs)

Gene: ACVRL1 (activin A receptor like type 1; plus strand). Cytogenetic location: 12q13.13.
Variant type: Deletion.
Coding change: c.919del on transcript NM_000020.3 (MANE Select); coding-DNA position 919, one base deleted (G; older notation c.919delG).
Protein change: p.Ala307fs; shifts the reading frame from alanine 307.
Molecular consequence: frameshift variant.
Genome position (GRCh38, 1-based): chr12:51,915,371, G deleted; the last of 2 consecutive G bases (chr12:51,915,370-51,915,371); deleting either gives the same sequence. VCF-style (leftmost placement, unchanged base first): chr12-51915369-CG-C. GRCh37 (hg19) VCF-style: chr12-52309153-CG-C.
Other names: c.919del, p.Ala307fs (NM_001077401.2, NM_001406487.1, NM_001406488.1 and 1 more transcripts); c.607del, p.Ala203fs (NM_001406490.1, NM_001406491.1, NM_001406492.1 and 2 more transcripts); c.355del, p.Ala119fs (NM_001406495.1); short protein forms A307fs, A203fs, A119fs.
Identifiers: ClinVar variation 2905206 (VCV002905206.3), dbSNP rs2540164499, ClinGen allele CA2739272050.